The following is an entry in ClinVar:

NM_006206.6(PDGFRA):c.2157-10G>A

Gene: PDGFRA (platelet derived growth factor receptor alpha; plus strand). Cytogenetic location: 4q12.
Variant type: single nucleotide variant.
Coding change: c.2157-10G>A on transcript NM_006206.6 (MANE Select); 10 bases into the intron before coding-DNA position 2157, G replaced by A.
Molecular consequence: intron variant.
Genome position (GRCh38, 1-based): chr4:54,280,306, G>A. VCF-style: chr4-54280306-G-A. GRCh37 (hg19) VCF-style: chr4-55146473-G-A.
Other names: c.2157-10G>A (NM_006206.5, NM_001347827.2, NM_001347829.2); c.2232-10G>A (NM_001347828.2); c.2196-10G>A (NM_001347830.2).
Identifiers: ClinVar variation 2705839 (VCV002705839.4), dbSNP rs1723998462, ClinGen allele CA2670658060.

ClinVar aggregate classification (germline): Likely benign. Review status: criteria provided, multiple submitters, no conflicts (2 of 4 stars). 2 submissions from 2 submitters: Likely benign (2). Last evaluated 2026-02-25.

Conditions:
Gastrointestinal stromal tumor. Also called: Gastrointestinal stroma tumor; Gastrointestinal stromal tumor, somatic. Identifiers: Orphanet 44890, MedGen C0238198, MeSH D046152, MONDO:0011719, OMIM 606764, HP:0100723.
PDGFRA-related disorder. Also called: PDGFRA-related condition.

Allele frequency attached by ClinVar (database versions not stated): gnomAD exomes below 0.00001.
gnomAD v4.1: 2 of 1,612,714 alleles (0.00012%); highest among the groups gnomAD compares: African/African-American, 0.0027%; no homozygotes.

Submissions (2):

PreventionGenetics, part of Exact Sciences
Classification: Likely benign for PDGFRA-related condition. Last evaluated: 2026-02-25. Review status: criteria provided, single submitter. Criteria: ACMG Guidelines, 2015. Collection method: clinical testing. Allele origin: germline.
Comment: This variant is classified as likely benign based on ACMG/AMP sequence variant interpretation guidelines (Richards et al. 2015 PMID: 25741868, with internal and published modifications).

Labcorp Genetics (formerly Invitae), Labcorp
Classification: Likely benign for Gastrointestinal stromal tumor. Last evaluated: 2026-01-27. Review status: criteria provided, single submitter. Criteria: Invitae Variant Classification Sherloc (09022015). Collection method: clinical testing. Allele origin: germline.